The following is an entry in ClinVar:

ClinVar aggregate classification (germline): Conflicting classifications of pathogenicity. Review status: criteria provided, conflicting classifications (1 of 4 stars). 4 submissions from 4 submitters: Uncertain significance (2); Likely benign (1). 1 of the submissions does not count toward it. Last evaluated 2025-10-16.

Conditions:
Hereditary cancer-predisposing syndrome. Also called: Tumor predisposition; Neoplastic Syndromes, Hereditary; Hereditary Cancer Syndrome; Hereditary neoplastic syndrome. Identifiers: Orphanet 140162, MedGen C0027672, MeSH D009386, MONDO:0015356.
Multiple endocrine neoplasia, type 2 (MEN2). Identifiers: Orphanet 653, MedGen C4048306, MONDO:0019003. Disease mechanism: gain of function.
Multiple endocrine neoplasia type 2A. Also called: MULTIPLE ENDOCRINE NEOPLASIA, TYPE IIA; PTC SYNDROME; SIPPLE SYNDROME; MEN 2A; MEN-2A syndrome; Pheochromocytoma and amyloid producing medullary thyroid carcinoma. Identifiers: Orphanet 247698, Orphanet 653, MedGen C0025268, MeSH D018813, MONDO:0008234, OMIM 171400.

Allele frequency attached by ClinVar (database versions not stated): gnomAD 0.00001 and 0.00002; gnomAD exomes 0.00001 and 0.00002; TOPMed 0.00001; ExAC 0.00002; 1000 Genomes Project 30x 0.00016; 1000 Genomes Project 0.00020.
gnomAD v4.1: 10 of 1,613,834 alleles (0.00062%); highest among the groups gnomAD compares: African/African-American, 0.0027%; no homozygotes.

Submissions (4):

Labcorp Genetics (formerly Invitae), Labcorp
Classification: Uncertain significance for Multiple endocrine neoplasia, type 2. Last evaluated: 2025-10-16. Review status: criteria provided, single submitter. Criteria: Invitae Variant Classification Sherloc (09022015). Collection method: clinical testing. Allele origin: germline.
Comment: This sequence change replaces glycine, which is neutral and non-polar, with serine, which is neutral and polar, at codon 47 of the RET protein (p.Gly47Ser). This variant is present in population databases (rs529018971, gnomAD 0.01%). This variant has not been reported in the literature in individuals affected with RET-related conditions. ClinVar contains an entry for this variant (Variation ID: 241335). An algorithm developed to predict the effect of missense changes on protein structure and function (PolyPhen-2) suggests that this variant is likely to be tolerated. In summary, the available evidence is currently insufficient to determine the role of this variant in disease. Therefore, it has been classified as a Variant of Uncertain Significance.

Ambry Genetics
Classification: Likely benign for Hereditary cancer-predisposing syndrome. Last evaluated: 2022-03-15. Review status: criteria provided, single submitter. Criteria: Ambry Variant Classification Scheme 2023. Collection method: clinical testing. Allele origin: germline.

Genetic Services Laboratory, University of Chicago
Classification: Uncertain significance. Last evaluated: 2019-12-05. Review status: criteria provided, single submitter. Criteria: ACMG Guidelines, 2015. Collection method: clinical testing. Allele origin: germline. Affected: no.

Counsyl
Classification: Uncertain significance for Multiple endocrine neoplasia type 2A. Last evaluated: 2016-12-13. Review status: no assertion criteria provided. Collection method: clinical testing. Allele origin: unknown. Not counted in ClinVar's aggregate classification.

NM_020975.6(RET):c.139G>A (p.Gly47Ser)

Gene: RET (ret proto-oncogene; plus strand). Cytogenetic location: 10q11.21.
Variant type: single nucleotide variant.
Coding change: c.139G>A on transcript NM_020975.6 (MANE Select); coding-DNA position 139, G replaced by A.
Protein change: p.Gly47Ser; replaces glycine 47 with serine.
Molecular consequence: missense variant.
Genome position (GRCh38, 1-based): chr10:43,100,524, G>A. VCF-style: chr10-43100524-G-A. GRCh37 (hg19) VCF-style: chr10-43595972-G-A.
Other names: c.139G>A, p.Gly47Ser (NM_000323.2, NM_001406743.1, NM_001406744.1 and 34 more transcripts); short protein forms G47S.
Identifiers: ClinVar variation 241335 (VCV000241335.17), dbSNP rs529018971, ClinGen allele CA033463.